The following is an entry in ClinVar:

NM_022726.4(ELOVL4):c.849G>C (p.Met283Ile)

Gene: ELOVL4 (ELOVL fatty acid elongase 4; minus strand). Cytogenetic location: 6q14.1.
Variant type: single nucleotide variant.
Coding change: c.849G>C on transcript NM_022726.4 (MANE Select); coding-DNA position 849, G replaced by C.
Protein change: p.Met283Ile; replaces methionine 283 with isoleucine.
Molecular consequence: missense variant.
Genome position (GRCh38, 1-based): chr6:79,916,704, C>G on the plus strand (G>C on the coding strand, the complement: ELOVL4 is on the minus strand). VCF-style: chr6-79916704-C-G. GRCh37 (hg19) VCF-style: chr6-80626421-C-G.
Other names: short protein forms M283I.
Identifiers: ClinVar variation 2121320 (VCV002121320.4), dbSNP rs1774167342, ClinGen allele CA364655713.

ClinVar aggregate classification (germline): Uncertain significance (1 of 4 stars; one submission).

Submission:

Labcorp Genetics (formerly Invitae), Labcorp
Classification: Uncertain significance. Last evaluated: 2022-04-04. Review status: criteria provided, single submitter. Criteria: Invitae Variant Classification Sherloc (09022015). Collection method: clinical testing. Allele origin: germline.
Comment: In summary, the available evidence is currently insufficient to determine the role of this variant in disease. Therefore, it has been classified as a Variant of Uncertain Significance. Algorithms developed to predict the effect of missense changes on protein structure and function (SIFT, PolyPhen-2, Align-GVGD) all suggest that this variant is likely to be tolerated. This variant has not been reported in the literature in individuals affected with ELOVL4-related conditions. This variant is not present in population databases (gnomAD no frequency). This sequence change replaces methionine, which is neutral and non-polar, with isoleucine, which is neutral and non-polar, at codon 283 of the ELOVL4 protein (p.Met283Ile).